The following is an entry in ClinVar:

NM_001367624.2(ZNF469):c.3866C>T (p.Pro1289Leu)

Gene: ZNF469 (zinc finger protein 469; plus strand). Cytogenetic location: 16q24.2.
Variant type: single nucleotide variant.
Coding change: c.3866C>T on transcript NM_001367624.2 (MANE Select); coding-DNA position 3866, C replaced by T.
Protein change: p.Pro1289Leu; replaces proline 1289 with leucine.
Molecular consequence: missense variant.
Genome position (GRCh38, 1-based): chr16:88,431,336, C>T. VCF-style: chr16-88431336-C-T. GRCh37 (hg19) VCF-style: chr16-88497744-C-T.
Other names: NM_001127464.1:c.3782C>T; short protein forms P1289L.
Identifiers: ClinVar variation 5032220 (VCV005032220.1).

ClinVar aggregate classification (germline): Uncertain significance (1 of 4 stars; one submission).

Conditions:
Cardiovascular phenotype. Identifiers: MedGen CN230736.

gnomAD v4.1: 1 of 1,549,546 alleles (0.000065%); highest among the groups gnomAD compares: Non-Finnish European, 0.000087%; no homozygotes.

Submission:

Ambry Genetics
Classification: Uncertain significance for Cardiovascular phenotype. Last evaluated: 2026-07-10. Review status: criteria provided, single submitter. Criteria: Ambry Variant Classification Scheme 2023. Collection method: clinical testing. Allele origin: germline.
Comment: The p.P1261L variant (also known as c.3782C>T), located in coding exon 2 of the ZNF469 gene, results from a C to T substitution at nucleotide position 3782. The proline at codon 1261 is replaced by leucine, an amino acid with similar properties. This amino acid position is conserved. In addition, this alteration is predicted to be tolerated by in silico analysis. Based on the available evidence, the clinical significance of this variant remains unclear.